The following is an entry in ClinVar:

NM_018718.3(CEP41):c.266A>G (p.Gln89Arg)

Gene: CEP41 (centrosomal protein 41; minus strand). Cytogenetic location: 7q32.2.
Variant type: single nucleotide variant.
Coding change: c.266A>G on transcript NM_018718.3 (MANE Select); coding-DNA position 266, A replaced by G.
Protein change: p.Gln89Arg; replaces glutamine 89 with arginine.
Molecular consequence: missense variant. On other transcripts: non-coding transcript variant (1).
Genome position (GRCh38, 1-based): chr7:130,411,133, T>C on the plus strand (A>G on the coding strand, the complement: CEP41 is on the minus strand). VCF-style: chr7-130411133-T-C. GRCh37 (hg19) VCF-style: chr7-130050974-T-C.
Other names: c.266A>G, p.Gln89Arg (NM_001257158.2); c.218A>G, p.Gln73Arg (NM_001257159.2); short protein forms Q89R, Q73R.
Identifiers: ClinVar variation 2130464 (VCV002130464.4), dbSNP rs2536087959, ClinGen allele CA369289778.

ClinVar aggregate classification (germline): Uncertain significance (1 of 4 stars; one submission).

Conditions:
Joubert syndrome 15 (JBTS15). Identifiers: Orphanet 475, MedGen C3280897, MONDO:0013763, OMIM 614464.

Submission:

Labcorp Genetics (formerly Invitae), Labcorp
Classification: Uncertain significance for Joubert syndrome 15. Last evaluated: 2022-04-25. Review status: criteria provided, single submitter. Criteria: Invitae Variant Classification Sherloc (09022015). Collection method: clinical testing. Allele origin: germline.
Comment: In summary, the available evidence is currently insufficient to determine the role of this variant in disease. Therefore, it has been classified as a Variant of Uncertain Significance. Algorithms developed to predict the effect of missense changes on protein structure and function are either unavailable or do not agree on the potential impact of this missense change (SIFT: "Deleterious"; PolyPhen-2: "Benign"; Align-GVGD: "Class C0"). This variant has not been reported in the literature in individuals affected with CEP41-related conditions. This variant is not present in population databases (gnomAD no frequency). This sequence change replaces glutamine, which is neutral and polar, with arginine, which is basic and polar, at codon 89 of the CEP41 protein (p.Gln89Arg).